The following is an entry in ClinVar:

ClinVar aggregate classification (germline): Uncertain significance (1 of 4 stars; one submission).

Conditions:
Developmental and epileptic encephalopathy, 23 (DEE23). Also called: Epileptic encephalopathy, early infantile, 23. Identifiers: Orphanet 411986, MedGen C4014492, MONDO:0014371, OMIM 615859.

Allele frequency attached by ClinVar (database versions not stated): gnomAD 0.00001; gnomAD exomes 0.00001; TOPMed 0.00001; ExAC 0.00002.
gnomAD v4.1: 5 of 1,612,950 alleles (0.00031%); highest among the groups gnomAD compares: Admixed American, 0.0083%; no homozygotes.

Submission:

Labcorp Genetics (formerly Invitae), Labcorp
Classification: Uncertain significance for Developmental and epileptic encephalopathy, 23. Last evaluated: 2022-05-25. Review status: criteria provided, single submitter. Criteria: Invitae Variant Classification Sherloc (09022015). Collection method: clinical testing. Allele origin: germline.
Comment: This variant is present in population databases (rs752268391, gnomAD 0.01%). This sequence change replaces aspartic acid, which is acidic and polar, with asparagine, which is neutral and polar, at codon 1631 of the DOCK7 protein (p.Asp1631Asn). This variant has not been reported in the literature in individuals affected with DOCK7-related conditions. Algorithms developed to predict the effect of missense changes on protein structure and function are either unavailable or do not agree on the potential impact of this missense change (SIFT: "Deleterious"; PolyPhen-2: "Benign"; Align-GVGD: "Class C0"). In summary, the available evidence is currently insufficient to determine the role of this variant in disease. Therefore, it has been classified as a Variant of Uncertain Significance.

NM_001367561.1(DOCK7):c.4918G>A (p.Asp1640Asn)

Gene: DOCK7 (dedicator of cytokinesis 7; minus strand). Cytogenetic location: 1p31.3.
Variant type: single nucleotide variant.
Coding change: c.4918G>A on transcript NM_001367561.1 (MANE Select); coding-DNA position 4918, G replaced by A.
Protein change: p.Asp1640Asn; replaces aspartic acid 1640 with asparagine.
Molecular consequence: missense variant.
Genome position (GRCh38, 1-based): chr1:62,496,344, C>T on the plus strand (G>A on the coding strand, the complement: DOCK7 is on the minus strand). VCF-style: chr1-62496344-C-T. GRCh37 (hg19) VCF-style: chr1-62962015-C-T.
Other names: c.4891G>A, p.Asp1631Asn (NM_001271999.2, NM_001330614.2); c.4798G>A, p.Asp1600Asn (NM_001272000.2, NM_001272001.2); c.4825G>A, p.Asp1609Asn (NM_033407.4); short protein forms D1600N, D1631N, D1609N, D1640N.
Identifiers: ClinVar variation 1938850 (VCV001938850.4), dbSNP rs752268391, ClinGen allele CA885589.
Genomic context (GRCh38, chr1:62,496,344, plus strand): 5'-GTGCCTATTTAACAAGCCTATTTCAATTAATGATCTAGAAAGCAGCATTTCTGACCTGAT[C>T]AGGAAATGTTGTTTCCCTCAATTCCAGATCTTCTTCAGCATATGTCAATATAGTCTTTAG-3'
Protein context (NP_001354490.1, residues 1630-1650): DLELRETTFP[Asp1640Asn]QVQDLVFNLH